The following is an entry in ClinVar:

NM_014363.6(SACS):c.7464A>G (p.Ile2488Met)

Gene: SACS (sacsin molecular chaperone; minus strand). Cytogenetic location: 13q12.12.
Variant type: single nucleotide variant.
Coding change: c.7464A>G on transcript NM_014363.6 (MANE Select); coding-DNA position 7464, A replaced by G.
Protein change: p.Ile2488Met; replaces isoleucine 2488 with methionine.
Molecular consequence: missense variant.
Genome position (GRCh38, 1-based): chr13:23,336,412, T>C on the plus strand (A>G on the coding strand, the complement: SACS is on the minus strand). VCF-style: chr13-23336412-T-C. GRCh37 (hg19) VCF-style: chr13-23910551-T-C.
Other names: c.7023A>G, p.Ile2341Met (NM_001278055.2); short protein forms I2341M, I2488M.
Identifiers: ClinVar variation 663032 (VCV000663032.8), dbSNP rs1593127405, ClinGen allele CA387519033.

ClinVar aggregate classification (germline): Uncertain significance (1 of 4 stars; one submission).

Conditions:
Spastic paraplegia. Identifiers: MedGen C0037772, HP:0001258.

Submission:

Labcorp Genetics (formerly Invitae), Labcorp
Classification: Uncertain significance for Spastic paraplegia. Last evaluated: 2018-10-11. Review status: criteria provided, single submitter. Criteria: Invitae Variant Classification Sherloc (09022015). Collection method: clinical testing. Allele origin: germline.
Comment: In summary, the available evidence is currently insufficient to determine the role of this variant in disease. Therefore, it has been classified as a Variant of Uncertain Significance. Algorithms developed to predict the effect of missense changes on protein structure and function are either unavailable or do not agree on the potential impact of this missense change (SIFT: "Deleterious"; PolyPhen-2: "Probably Damaging"; Align-GVGD: "Class C0"). This variant has not been reported in the literature in individuals with SACS-related disease. This variant is not present in population databases (ExAC no frequency). This sequence change replaces isoleucine with methionine at codon 2488 of the SACS protein (p.Ile2488Met). The isoleucine residue is moderately conserved and there is a small physicochemical difference between isoleucine and methionine.